The following is an entry in ClinVar:

ClinVar aggregate classification (germline): Uncertain significance. Review status: criteria provided, multiple submitters, no conflicts (2 of 4 stars). 2 submissions from 2 submitters: Uncertain significance (2). Last evaluated 2025-03-10.

Conditions:
Hereditary cancer-predisposing syndrome. Also called: Tumor predisposition; Hereditary neoplastic syndrome; Neoplastic Syndromes, Hereditary; Hereditary Cancer Syndrome. Identifiers: Orphanet 140162, MedGen C0027672, MeSH D009386, MONDO:0015356.

Submissions (2):

Ambry Genetics
Classification: Uncertain significance for Hereditary cancer-predisposing syndrome. Last evaluated: 2025-03-10. Review status: criteria provided, single submitter. Criteria: Ambry Variant Classification Scheme 2023. Collection method: clinical testing. Allele origin: germline.
Comment: The p.A48T variant (also known as c.142G>A), located in coding exon 2 of the NTHL1 gene, results from a G to A substitution at nucleotide position 142. The alanine at codon 48 is replaced by threonine, an amino acid with similar properties. This amino acid position is conserved. In addition, this alteration is predicted to be tolerated by in silico analysis. Based on the available evidence, the clinical significance of this variant remains unclear.

Labcorp Genetics (formerly Invitae), Labcorp
Classification: Uncertain significance. Last evaluated: 2024-06-10. Review status: criteria provided, single submitter. Criteria: Invitae Variant Classification Sherloc (09022015). Collection method: clinical testing. Allele origin: germline.
Comment: This sequence change replaces alanine, which is neutral and non-polar, with threonine, which is neutral and polar, at codon 48 of the NTHL1 protein (p.Ala48Thr). This variant is not present in population databases (gnomAD no frequency). This variant has not been reported in the literature in individuals affected with NTHL1-related conditions. An algorithm developed to predict the effect of missense changes on protein structure and function (PolyPhen-2) suggests that this variant is likely to be tolerated. In summary, the available evidence is currently insufficient to determine the role of this variant in disease. Therefore, it has been classified as a Variant of Uncertain Significance.

NM_002528.7(NTHL1):c.118G>A (p.Ala40Thr)

Gene: NTHL1 (nth like DNA glycosylase 1; minus strand). Cytogenetic location: 16p13.3.
Variant type: single nucleotide variant.
Coding change: c.118G>A on transcript NM_002528.7 (MANE Select); coding-DNA position 118, G replaced by A.
Protein change: p.Ala40Thr; replaces alanine 40 with threonine.
Molecular consequence: missense variant. On other transcripts: 5 prime UTR variant (1).
Genome position (GRCh38, 1-based): chr16:2,046,364, C>T on the plus strand (G>A on the coding strand, the complement: NTHL1 is on the minus strand). VCF-style: chr16-2046364-C-T. GRCh37 (hg19) VCF-style: chr16-2096365-C-T.
Other names: c.142G>A (NM_002528.5); c.118G>A, p.Ala40Thr (NM_001318193.2); c.-61G>A (NM_001318194.2); short protein forms A40T.
Identifiers: ClinVar variation 3622772 (VCV003622772.3).